The following is an entry in ClinVar:

NM_017414.4(USP18):c.-106-25G>A

Gene: USP18 (ubiquitin specific peptidase 18; plus strand). Cytogenetic location: 22q11.21.
Variant type: single nucleotide variant.
Coding change: c.-106-25G>A on transcript NM_017414.4 (MANE Select); 25 bases into the intron before 106 bases upstream of the start codon, G replaced by A.
Molecular consequence: intron variant.
Genome position (GRCh38, 1-based): chr22:18,157,533, G>A. VCF-style: chr22-18157533-G-A. GRCh37 (hg19) VCF-style: chr22-18640300-G-A.
Identifiers: ClinVar variation 2628193 (VCV002628193.2), dbSNP rs2252257, ClinGen allele CA14980256.

ClinVar aggregate classification (germline): Benign (1 of 4 stars; one submission).

Allele frequency attached by ClinVar (database versions not stated): gnomAD exomes 0.20047; gnomAD 0.25352; TOPMed 0.27446; 1000 Genomes Project 30x 0.38898; 1000 Genomes Project 0.39137.
gnomAD v4.1: 246,805 of 1,186,556 alleles (21%); highest among the groups gnomAD compares: East Asian, 60%; 33,667 homozygotes.

Submission:

Unidad de Genómica Garrahan, Hospital de Pediatría Garrahan
Classification: Benign. Last evaluated: 2023-11-12. Review status: criteria provided, single submitter. Criteria: ACMG Guidelines, 2015. Collection method: clinical testing. Allele origin: germline. Affected: no. Observed: 44 variant alleles.
Comment: This variant is classified as Benign based on local population frequency. This variant was detected in 46% of patients studied by a panel of primary immunodeficiencies. Number of patients: 44. Only high quality variants are reported.